The following is an entry in ClinVar:

ClinVar aggregate classification (germline): Pathogenic (1 of 4 stars; one submission).

Submission:

Illumina Laboratory Services, Illumina
Classification: Pathogenic. Last evaluated: 2021-10-01. Review status: criteria provided, single submitter. Criteria: ICSL CNVClassificationCriteria Aug2020. Collection method: clinical testing. Allele origin: unknown.
Comment: This CNV is a 9.8Mb duplication of 16q23.2q24.3 on chromosome 16, (seq[GRCh37]dup(16)(q23.2q24.3); chr16:80386595_90163348dup) found in a de novo state. This CNV constitutes a gain of 96 protein-coding genes. Several individuals have been reported in the literature and in the DECIPHER database with various sizes of terminal duplications of the q arm of chromosome 16 (Firth et al. 2009; de Carvalho et al. 2010). Most reported cases also have a monosomy of another chromosome due to an inherited unbalanced chromosome translocation. Common features among reported individuals include intellectual disability, developmental delay, microcephaly, hypotonia, high/prominent forehead, thin upper lip, micrognathia, abnormal palmar creases, urogenital anomalies, and respiratory distress. Based on the collective evidence, this variant is classified as pathogenic.

Literature cited by the submitters: PubMed 19344873; PubMed 20635361.

GRCh37/hg19 16q23.2-24.3(chr16:80386595-90163348)x3

Genes: ACSF3 (acyl-CoA synthetase family member 3; plus strand), ADAD2 (adenosine deaminase domain containing 2; plus strand), ADAD2-AS1 (ADAD2 antisense RNA 1; minus strand), ANKRD11 (ankyrin repeat domain 11; minus strand), ANKRD11-AS1 (ANKRD11 antisense RNA 1; plus strand) and 99 more. Cytogenetic location: 16q23.2-24.3.
Variant type: copy number gain.
Change: copy number 3 (three copies instead of two) of chr16:80,386,595-90,163,348 (9.78 Mb, GRCh37 coordinates, 1-based), cytogenetic band 16q23.2-24.3.
Identifiers: ClinVar variation 1328115 (VCV001328115.4).